The following is an entry in ClinVar:

ClinVar aggregate classification (germline): Pathogenic, low penetrance (1 of 4 stars; one submission).

Conditions:
Atypical hemolytic-uremic syndrome. Identifiers: Orphanet 2134, MedGen C2931788, MONDO:0016244.

Submission:

Genomenon, Inc
Classification: Pathogenic, low penetrance for Atypical hemolytic-uremic syndrome. Last evaluated: 2025-10-02. Review status: criteria provided, single submitter. Criteria: Genomenon Sequence Variant Interpretation Standards - Updated. Collection method: curation. Allele origin: germline. Affected: yes.
Comment: CFH p.Asn767LysfsTer8 (c.2300dup) is a frameshift variant that results in the production of a truncated protein which is predicted to undergo nonsense-mediated mRNA decay. This variant has been observed in at least one proband affected with atypical hemolytic-uremic syndrome (PMID:28858176;23431077;18371543;20016463;14978182). It is absent or not present at a significant frequency in gnomAD. In conclusion, we classify CFH p.Asn767LysfsTer8 (c.2300dup) as a pathogenic, low penetrance variant.

Literature cited by the submitters: PubMed 28858176; PubMed 23431077; PubMed 18371543; PubMed 20016463; PubMed 14978182.

NM_000186.4(CFH):c.2300dup (p.Asn767fs)

Gene: CFH (complement factor H; plus strand). Cytogenetic location: 1q31.3.
Variant type: Duplication.
Coding change: c.2300dup on transcript NM_000186.4 (MANE Select); coding-DNA position 2300, one base duplicated (A; older notation c.2300dupA).
Protein change: p.Asn767fs; shifts the reading frame from asparagine 767.
Molecular consequence: frameshift variant.
Genome position (GRCh38, 1-based): chr1:196,728,409, A duplicated; the last of 6 consecutive A bases (chr1:196,728,404-196,728,409); duplicating any one gives the same sequence. VCF-style (leftmost placement, unchanged base first): chr1-196728403-T-TA. GRCh37 (hg19) VCF-style: chr1-196697533-T-TA.
Other names: short protein forms N767fs.
Identifiers: ClinVar variation 4291465 (VCV004291465.1).